The following is an entry in ClinVar:

ClinVar aggregate classification (germline): Uncertain significance (1 of 4 stars; one submission).

Conditions:
Inborn genetic diseases. Identifiers: MedGen C0950123, MeSH D030342.

Submission:

Ambry Genetics
Classification: Uncertain significance for Inborn genetic diseases. Last evaluated: 2025-02-21. Review status: criteria provided, single submitter. Criteria: Ambry Variant Classification Scheme 2023. Collection method: clinical testing. Allele origin: germline.
Comment: The p.S1120A variant (also known as c.3358T>G), located in coding exon 1 of the SAMD9 gene, results from a T to G substitution at nucleotide position 3358. The serine at codon 1120 is replaced by alanine, an amino acid with similar properties. This amino acid position is conserved. In addition, this alteration is predicted to be tolerated by in silico analysis. Based on the available evidence, the clinical significance of this variant remains unclear.

NM_017654.4(SAMD9):c.3358T>G (p.Ser1120Ala)

Gene: SAMD9 (sterile alpha motif domain containing 9; minus strand). Cytogenetic location: 7q21.2.
Variant type: single nucleotide variant.
Coding change: c.3358T>G on transcript NM_017654.4 (MANE Select); coding-DNA position 3358, T replaced by G.
Protein change: p.Ser1120Ala; replaces serine 1120 with alanine.
Molecular consequence: missense variant.
Genome position (GRCh38, 1-based): chr7:93,102,740, A>C on the plus strand (T>G on the coding strand, the complement: SAMD9 is on the minus strand). VCF-style: chr7-93102740-A-C. GRCh37 (hg19) VCF-style: chr7-92732053-A-C.
Other names: c.3358T>G, p.Ser1120Ala (NM_001193307.2); short protein forms S1120A.
Identifiers: ClinVar variation 3792117 (VCV003792117.1).